The following is an entry in ClinVar:

ClinVar aggregate classification (germline): Uncertain significance (1 of 4 stars; one submission).

Allele frequency attached by ClinVar (database versions not stated): gnomAD exomes 0.00001 and 0.00004; ExAC 0.00002; gnomAD 0.00002; TOPMed 0.00004.
gnomAD v4.1: 57 of 1,612,612 alleles (0.0035%); highest among the groups gnomAD compares: Non-Finnish European, 0.0047%; no homozygotes.

Submission:

Labcorp Genetics (formerly Invitae), Labcorp
Classification: Uncertain significance. Last evaluated: 2021-10-07. Review status: criteria provided, single submitter. Criteria: Invitae Variant Classification Sherloc (09022015). Collection method: clinical testing. Allele origin: germline.
Comment: This sequence change replaces aspartic acid with valine at codon 76 of the RASGRP1 protein (p.Asp76Val). The aspartic acid residue is moderately conserved and there is a large physicochemical difference between aspartic acid and valine. This variant is present in population databases (rs776032506, ExAC 0.003%). This variant has not been reported in the literature in individuals affected with RASGRP1-related conditions. Algorithms developed to predict the effect of missense changes on protein structure and function are either unavailable or do not agree on the potential impact of this missense change (SIFT: "Deleterious"; PolyPhen-2: "Benign"; Align-GVGD: "Class C0"). In summary, the available evidence is currently insufficient to determine the role of this variant in disease. Therefore, it has been classified as a Variant of Uncertain Significance.

NM_005739.4(RASGRP1):c.227A>T (p.Asp76Val)

Gene: RASGRP1 (RAS guanyl releasing protein 1; minus strand). Cytogenetic location: 15q14.
Variant type: single nucleotide variant.
Coding change: c.227A>T on transcript NM_005739.4 (MANE Select); coding-DNA position 227, A replaced by T.
Protein change: p.Asp76Val; replaces aspartic acid 76 with valine.
Molecular consequence: missense variant.
Genome position (GRCh38, 1-based): chr15:38,526,398, T>A on the plus strand (A>T on the coding strand, the complement: RASGRP1 is on the minus strand). VCF-style: chr15-38526398-T-A. GRCh37 (hg19) VCF-style: chr15-38818599-T-A.
Other names: c.227A>T, p.Asp76Val (NM_001128602.2, NM_001306086.2); short protein forms D76V.
Identifiers: ClinVar variation 1519100 (VCV001519100.3), dbSNP rs776032506, ClinGen allele CA7471171.
Genomic context (GRCh38, chr15:38,526,398, plus strand): 5'-ACAATTCGGTGCATGGTCAGCATGACTTGCAACAGTTGGTTACTTCGACACAGGTTTCCA[T>A]CTGCATCTGAAAATATAAAGAGCAGCACCTGAGTTAGGCCCTGGAGGGAAACTAGTCACC-3'
Protein context (NP_005730.2, residues 66-86): IDSCIQSFDA[Asp76Val]GNLCRSNQLL